The following is an entry in ClinVar:

ClinVar aggregate classification (germline): Likely benign. Review status: criteria provided, multiple submitters, no conflicts (2 of 4 stars). 4 submissions from 4 submitters: Likely benign (4). Last evaluated 2026-05-01.

Conditions:
Inborn genetic diseases. Identifiers: MedGen C0950123, MeSH D030342.
Neurodevelopmental disorder with or without hyperkinetic movements and seizures, autosomal dominant. Also called: Intellectual disability, autosomal dominant 8. Identifiers: MedGen C3280282, MONDO:0013655, OMIM 614254.

Allele frequency attached by ClinVar (database versions not stated): TOPMed below 0.00001; gnomAD exomes 0.00002; ExAC 0.00003.
gnomAD v4.1: 15 of 1,613,692 alleles (0.00093%); highest among the groups gnomAD compares: Middle Eastern, 0.016%; no homozygotes.

Submissions (4):

CeGaT Center for Human Genetics Tuebingen
Classification: Likely benign. Last evaluated: 2026-05-01. Review status: criteria provided, single submitter. Criteria: CeGaT Center For Human Genetics Tuebingen Variant Classification Criteria Version 2. Collection method: clinical testing. Allele origin: germline. Affected: yes. Observed: 7 variant alleles.
Comment: GRIN1: BP4, BP7

Blueprint Genetics
Classification: Likely benign. Last evaluated: 2024-11-25. Review status: criteria provided, single submitter. Criteria: ACMG Guidelines, 2015. Collection method: clinical testing. Allele origin: germline.

Labcorp Genetics (formerly Invitae), Labcorp
Classification: Likely benign for Neurodevelopmental disorder with or without hyperkinetic movements and seizures, autosomal dominant. Last evaluated: 2024-08-28. Review status: criteria provided, single submitter. Criteria: Invitae Variant Classification Sherloc (09022015). Collection method: clinical testing. Allele origin: germline.

Ambry Genetics
Classification: Likely benign for Inborn genetic diseases. Last evaluated: 2017-01-25. Review status: criteria provided, single submitter. Criteria: Ambry Variant Classification Scheme 2023. Collection method: clinical testing. Allele origin: germline.

NM_007327.4(GRIN1):c.2223G>C (p.Ser741=)

Gene: GRIN1 (glutamate ionotropic receptor NMDA type subunit 1; plus strand). Cytogenetic location: 9q34.3.
Variant type: single nucleotide variant.
Coding change: c.2223G>C on transcript NM_007327.4 (MANE Select); coding-DNA position 2223, G replaced by C.
Protein change: p.Ser741=; no amino-acid change (serine 741 retained).
Molecular consequence: synonymous variant.
Genome position (GRCh38, 1-based): chr9:137,163,220, G>C. VCF-style: chr9-137163220-G-C. GRCh37 (hg19) VCF-style: chr9-140057672-G-C.
Other names: c.2223G>C, p.Ser741= (NM_000832.7, NM_021569.4); c.2286G>C, p.Ser762= (NM_001185090.2, NM_001185091.2).
Identifiers: ClinVar variation 444792 (VCV000444792.54), dbSNP rs767848286, ClinGen allele CA5361084.
Genomic context (GRCh38, chr9:137,163,220, plus strand): 5'-TGCCGGCAGCAAGCTGCATGCCTTCATCTGGGACTCGGCGGTGCTGGAGTTCGAGGCCTC[G>C]CAGAAGTGCGACCTGGTGACGACTGGAGAGCTGTTTTTCCGCTCGGGCTTCGGCATAGGC-3'
Protein context (NP_015566.1, residues 731-751): WDSAVLEFEA[Ser741=]QKCDLVTTGE